The following is an entry in ClinVar:

NM_153460.4(IL17RC):c.20T>C (p.Leu7Ser)

Gene: IL17RC (interleukin 17 receptor C; plus strand). Cytogenetic location: 3p25.3.
Variant type: single nucleotide variant.
Coding change: c.20T>C on transcript NM_153460.4 (MANE Select); coding-DNA position 20, T replaced by C.
Protein change: p.Leu7Ser; replaces leucine 7 with serine.
Molecular consequence: missense variant. On other transcripts: non-coding transcript variant (1).
Genome position (GRCh38, 1-based): chr3:9,917,335, T>C. VCF-style: chr3-9917335-T-C. GRCh37 (hg19) VCF-style: chr3-9959019-T-C.
Other names: c.20T>C, p.Leu7Ser (NM_001203263.2, NM_001203264.2, NM_001203265.2 and 5 more transcripts); short protein forms L7S.
Identifiers: ClinVar variation 1432270 (VCV001432270.8), dbSNP rs2125112075, ClinGen allele CA351752759.

ClinVar aggregate classification (germline): Uncertain significance (1 of 4 stars; one submission).

Conditions:
Candidiasis, familial, 9 (CANDF9). Identifiers: Orphanet 1334, MedGen C4225324, MONDO:0014642, OMIM 616445.

Submission:

Labcorp Genetics (formerly Invitae), Labcorp
Classification: Uncertain significance for Candidiasis, familial, 9. Last evaluated: 2021-06-07. Review status: criteria provided, single submitter. Criteria: Invitae Variant Classification Sherloc (09022015). Collection method: clinical testing. Allele origin: germline.
Comment: In summary, the available evidence is currently insufficient to determine the role of this variant in disease. Therefore, it has been classified as a Variant of Uncertain Significance. Algorithms developed to predict the effect of missense changes on protein structure and function are either unavailable or do not agree on the potential impact of this missense change (SIFT: "Deleterious"; PolyPhen-2: "Possibly Damaging"; Align-GVGD: "Class C0"). This variant has not been reported in the literature in individuals with IL17RC-related conditions. This variant is not present in population databases (ExAC no frequency). This sequence change replaces leucine with serine at codon 7 of the IL17RC protein (p.Leu7Ser). The leucine residue is highly conserved and there is a large physicochemical difference between leucine and serine.